The following is an entry in ClinVar:

ClinVar aggregate classification (germline): Benign. Review status: criteria provided, multiple submitters, no conflicts (2 of 4 stars). 2 submissions from 2 submitters: Benign (2). Last evaluated 2020-02-18.

Allele frequency attached by ClinVar (database versions not stated): 1000 Genomes Project 30x 0.11727; 1000 Genomes Project 0.12240; TOPMed 0.14084.
gnomAD v4.1: 187,992 of 984,984 alleles (19%); highest among the groups gnomAD compares: Non-Finnish European, 20%; 18,734 homozygotes.

Submissions (2):

GeneDx
Classification: Benign. Last evaluated: 2020-02-18. Review status: criteria provided, single submitter. Criteria: GeneDx Variant Classification Process June 2021. Collection method: clinical testing. Allele origin: germline. Affected: yes.
Comment: This variant is associated with the following publications: (PMID: 31164647)

Breakthrough Genomics
Classification: Benign. Review status: criteria provided, single submitter. Criteria: ACMG Guidelines, 2015. Collection method: not provided. Allele origin: germline. Inheritance: Unknown mechanism. Affected: yes.

NM_012257.4(HBP1):c.-16+663G>C

Gene: HBP1 (HMG-box transcription factor 1; plus strand). Cytogenetic location: 7q22.3.
Variant type: single nucleotide variant.
Coding change: c.-16+663G>C on transcript NM_012257.4 (MANE Select); 663 bases into the intron after 16 bases upstream of the start codon, G replaced by C.
Molecular consequence: intron variant.
Genome position (GRCh38, 1-based): chr7:107,169,848, G>C. VCF-style: chr7-107169848-G-C. GRCh37 (hg19) VCF-style: chr7-106810293-G-C.
Other names: c.15+821G>C (NM_001244262.2).
Identifiers: ClinVar variation 1277741 (VCV001277741.2), dbSNP rs4730222, ClinGen allele CA12518063.